The following is an entry in ClinVar:

NM_014270.5(SLC7A9):c.604+2T>C

Gene: SLC7A9 (solute carrier family 7 member 9; minus strand). Cytogenetic location: 19q13.11.
Variant type: single nucleotide variant.
Coding change: c.604+2T>C on transcript NM_014270.5 (MANE Select); the canonical splice donor site of the intron after coding-DNA position 604, T replaced by C.
Molecular consequence: splice donor variant.
Genome position (GRCh38, 1-based): chr19:32,862,459, A>G on the plus strand (T>C on the coding strand, the complement: SLC7A9 is on the minus strand). VCF-style: chr19-32862459-A-G. GRCh37 (hg19) VCF-style: chr19-33353365-A-G.
Other names: 789+2T-C; c.604+2T>C (NM_001126335.2, NM_001243036.2).
Identifiers: ClinVar variation 938724 (VCV000938724.14), dbSNP rs763110287, ClinGen allele CA9358773.

ClinVar aggregate classification (germline): Conflicting classifications of pathogenicity. Review status: criteria provided, conflicting classifications (1 of 4 stars). 5 submissions from 5 submitters: Pathogenic (3); Uncertain significance (1). 1 of the submissions does not count toward it. Last evaluated 2025-07-03.

Conditions:
Cystinuria (CSNU). Also called: CYSTINURIA, TYPE I; CYSTINURIA, TYPE II; CYSTINURIA, TYPE III; Cystinuria, non-type I. Identifiers: Orphanet 214, MedGen C0010691, MONDO:0009067, OMIM 220100, HP:0003131.

Allele frequency attached by ClinVar (database versions not stated): TOPMed 0.00003; ExAC 0.00004; gnomAD exomes 0.00002 and 0.00004; gnomAD 0.00004 and 0.00005.
gnomAD v4.1: 37 of 1,612,520 alleles (0.0023%); highest among the groups gnomAD compares: Non-Finnish European, 0.0031%; no homozygotes.

Submissions (5):

3billion
Classification: Pathogenic for Cystinuria. Last evaluated: 2025-07-03. Review status: criteria provided, single submitter. Criteria: ACMG Guidelines, 2015. Collection method: clinical testing. Allele origin: germline. Affected: yes.
Comment: The variant is observed at an extremely low frequency in the gnomAD v4.1.0 dataset (total allele frequency: 0.002%). Predicted Consequence/Location: Canonical splice site: predicted to alter splicing and result in a loss or disruption of normal protein function. Multiple pathogenic loss-of-function variants are reported downstream of the variant. In silico tools predict the variant to alter splicing and produce an abnormal transcript [SpliceAI: 0.93 (spliceogenicity >=0.2, non-spliceogenicity <0.1)]. No sentences The variant has been reported to be associated with SLC7A9-related disorder (ClinVar ID: VCV000938724 /PMID: 15635077). Therefore, this variant is classified as Pathogenic according to the recommendation of ACMG/AMP guideline.

Labcorp Genetics (formerly Invitae), Labcorp
Classification: Pathogenic. Last evaluated: 2024-08-21. Review status: criteria provided, single submitter. Criteria: Invitae Variant Classification Sherloc (09022015). Collection method: clinical testing. Allele origin: germline.
Comment: This sequence change affects a donor splice site in intron 5 of the SLC7A9 gene. It is expected to disrupt RNA splicing. Variants that disrupt the donor or acceptor splice site typically lead to a loss of protein function (PMID: 16199547), and loss-of-function variants in SLC7A9 are known to be pathogenic (PMID: 11157794, 16838140, 25296721). This variant is present in population databases (rs763110287, gnomAD 0.009%). Disruption of this splice site has been observed in individuals with cystinuria (PMID: 15635077, 19782624, 28646536). ClinVar contains an entry for this variant (Variation ID: 938724). Algorithms developed to predict the effect of sequence changes on RNA splicing suggest that this variant may disrupt the consensus splice site. For these reasons, this variant has been classified as Pathogenic.

Fulgent Genetics
Classification: Pathogenic for Cystinuria. Last evaluated: 2024-03-30. Review status: criteria provided, single submitter. Criteria: ACMG Guidelines, 2015. Collection method: clinical testing. Allele origin: germline.

Institute of Human Genetics, University of Leipzig Medical Center
Classification: Uncertain significance for Cystinuria. Last evaluated: 2019-01-01. Review status: criteria provided, single submitter. Criteria: ACMG Guidelines, 2015. Collection method: clinical testing. Allele origin: unknown. Affected: yes.

OMIM
Classification: Pathogenic for CYSTINURIA. Last evaluated: 2005-01-01. Review status: no assertion criteria provided. Collection method: literature only. Allele origin: germline. Not counted in ClinVar's aggregate classification.

Literature cited by the submitters: PubMed 15635077 (cited by 3 submitters); PubMed 16199547 (cited by Labcorp Genetics (formerly Invitae), Labcorp); PubMed 11157794 (cited by Labcorp Genetics (formerly Invitae), Labcorp); PubMed 16838140 (cited by Labcorp Genetics (formerly Invitae), Labcorp); PubMed 25296721 (cited by Labcorp Genetics (formerly Invitae), Labcorp); PubMed 19782624 (cited by Labcorp Genetics (formerly Invitae), Labcorp); PubMed 28646536 (cited by Labcorp Genetics (formerly Invitae), Labcorp).